The following is an entry in ClinVar:

NM_001987.5(ETV6):c.643G>T (p.Ala215Ser)

Gene: ETV6 (ETS variant transcription factor 6; plus strand). Cytogenetic location: 12p13.2.
Variant type: single nucleotide variant.
Coding change: c.643G>T on transcript NM_001987.5 (MANE Select); coding-DNA position 643, G replaced by T.
Protein change: p.Ala215Ser; replaces alanine 215 with serine.
Molecular consequence: missense variant.
Genome position (GRCh38, 1-based): chr12:11,869,603, G>T. VCF-style: chr12-11869603-G-T. GRCh37 (hg19) VCF-style: chr12-12022537-G-T.
Other names: c.640G>T, p.Ala214Ser (NM_001413913.1); c.616G>T, p.Ala206Ser (NM_001413914.1); c.379G>T, p.Ala127Ser (NM_001413915.1); c.643G>T, p.Ala215Ser (NM_001413916.1, NM_001413917.1); short protein forms A215S, A206S, A127S, A214S.
Identifiers: ClinVar variation 5036218 (VCV005036218.1).

ClinVar aggregate classification (germline): Uncertain significance (1 of 4 stars; one submission).

Conditions:
Inborn genetic diseases. Identifiers: MedGen C0950123, MeSH D030342.

Submission:

Ambry Genetics
Classification: Uncertain significance for Inborn genetic diseases. Last evaluated: 2026-08-15. Review status: criteria provided, single submitter. Criteria: Ambry Variant Classification Scheme 2023. Collection method: clinical testing. Allele origin: germline.
Comment: The p.A215S variant (also known as c.643G>T), located in coding exon 5 of the ETV6 gene, results from a G to T substitution at nucleotide position 643. The alanine at codon 215 is replaced by serine, an amino acid with similar properties. This amino acid position is conserved. In addition, this alteration is predicted to be tolerated by in silico analysis. Based on the available evidence, the clinical significance of this variant remains unclear.